The following is an entry in ClinVar:

NM_004006.3(DMD):c.6874G>T (p.Glu2292Ter)

Gene: DMD (dystrophin; minus strand). Cytogenetic location: Xp21.1.
Variant type: single nucleotide variant.
Coding change: c.6874G>T on transcript NM_004006.3 (MANE Select); coding-DNA position 6874, G replaced by T.
Protein change: p.Glu2292Ter; replaces glutamic acid 2292 with a stop codon.
Molecular consequence: nonsense. On other transcripts: 5 prime UTR variant (5).
Genome position (GRCh38, 1-based): chrX:31,929,634, C>A on the plus strand (G>T on the coding strand, the complement: DMD is on the minus strand). VCF-style: chrX-31929634-C-A. GRCh37 (hg19) VCF-style: chrX-31947751-C-A.
Other names: c.6850G>T, p.Glu2284Ter (NM_000109.4); c.6862G>T, p.Glu2288Ter (NM_004009.3); c.6505G>T, p.Glu2169Ter (NM_004010.3); c.2851G>T, p.Glu951Ter (NM_004011.4); c.2842G>T, p.Glu948Ter (NM_004012.4); c.-507G>T (NM_004013.3, NM_004020.4, NM_004021.3 and 2 more transcripts); short protein forms E2292*, E2169*, E2288*, E951*, E948*, E2284*.
Identifiers: ClinVar variation 618600 (VCV000618600.8), dbSNP rs1569515486, ClinGen allele CA412657836.

ClinVar aggregate classification (germline): Pathogenic (1 of 4 stars; one submission).

Submission:

ARUP Laboratories, Molecular Genetics and Genomics, ARUP Laboratories
Classification: Pathogenic. Last evaluated: 2017-06-28. Review status: criteria provided, single submitter. Criteria: ARUP Molecular Germline Variant Investigation Process. Collection method: clinical testing. Allele origin: germline.
Comment: The c.6874G>T variant has not been reported in the medical literature, is not listed in gene-specific variant databases, nor has it been previously identified in our laboratory. It is also absent from population databases such as 1000 Genomes, the NHLBI GO Exome Sequencing Project (ESP), and the Genome Aggregation Database (gnomAD) browser. The c.6874G>T variant introduces an early termination codon into exon 47 and is expected to result in a truncated or absent protein product, and other truncating variants in exon 47 have been observed in cohorts of Duchenne muscular dystrophy patients (selected references: Flanigan 2009 and Tuffery-Giraud 2004). Thus, based on the available information, the c.6874G>T variant satisfies our criteria for classification as pathogenic.